The following is an entry in ClinVar:

NM_001378457.1(DMXL2):c.7543A>G (p.Met2515Val)

Gene: DMXL2 (Dmx like 2; minus strand). Cytogenetic location: 15q21.2.
Variant type: single nucleotide variant.
Coding change: c.7543A>G on transcript NM_001378457.1 (MANE Select); coding-DNA position 7543, A replaced by G.
Protein change: p.Met2515Val; replaces methionine 2515 with valine.
Molecular consequence: missense variant. On other transcripts: non-coding transcript variant (2), intron variant (1).
Genome position (GRCh38, 1-based): chr15:51,465,629, T>C on the plus strand (A>G on the coding strand, the complement: DMXL2 is on the minus strand). VCF-style: chr15-51465629-T-C. GRCh37 (hg19) VCF-style: chr15-51757826-T-C.
Other names: c.7300A>G, p.Met2434Val (NM_001378464.1); c.7540A>G, p.Met2514Val (NM_015263.5, NM_001378458.1, NM_001378462.1); c.7520+555A>G (NM_001378459.1); c.7543A>G (NM_001174116.1); c.7543A>G, p.Met2515Val (NM_001174116.3, NM_001378461.1, NM_001378463.1); c.5632A>G, p.Met1878Val (NM_001174117.3); c.5521A>G, p.Met1841Val (NM_001378460.1); short protein forms M2515V, M1841V, M1878V, M2434V, M2514V.
Identifiers: ClinVar variation 1471673 (VCV001471673.7), dbSNP rs72729259, ClinGen allele CA7561282.

ClinVar aggregate classification (germline): Uncertain significance. Review status: criteria provided, multiple submitters, no conflicts (2 of 4 stars). 5 submissions from 5 submitters: Uncertain significance (5). Last evaluated 2024-06-24.

Conditions:
Hearing loss, autosomal dominant 71. Also called: DEAFNESS, AUTOSOMAL DOMINANT 71. Identifiers: MedGen C4539881, MONDO:0033258, OMIM 617605.
Developmental and epileptic encephalopathy, 81. Also called: EPILEPTIC ENCEPHALOPATHY, EARLY INFANTILE, 81. Identifiers: MedGen C5231450, MONDO:0032858, OMIM 618663.
Polyendocrine-polyneuropathy syndrome (PEPNS). Identifiers: Orphanet 453533, MedGen C4015261, MONDO:0014497, OMIM 616113.
Inborn genetic diseases. Identifiers: MedGen C0950123, MeSH D030342.

Allele frequency attached by ClinVar (database versions not stated): 1000 Genomes Project 0.00020; ExAC 0.00025; gnomAD exomes 0.00026 and 0.00030; 1000 Genomes Project 30x 0.00031; TOPMed 0.00045; gnomAD 0.00050 and 0.00054; ESP Exome Variant Server 0.00054.
gnomAD v4.1: 453 of 1,603,592 alleles (0.028%); highest among the groups gnomAD compares: Admixed American, 0.09%; no homozygotes.

Submissions (5):

GeneDx
Classification: Uncertain significance. Last evaluated: 2024-06-24. Review status: criteria provided, single submitter. Criteria: GeneDx Variant Classification Process June 2021. Collection method: clinical testing. Allele origin: germline. Affected: yes.
Comment: In silico analysis indicates that this missense variant does not alter protein structure/function; Has not been previously published as pathogenic or benign to our knowledge

Labcorp Genetics (formerly Invitae), Labcorp
Classification: Uncertain significance. Last evaluated: 2022-10-18. Review status: criteria provided, single submitter. Criteria: Invitae Variant Classification Sherloc (09022015). Collection method: clinical testing. Allele origin: germline.
Comment: This sequence change replaces methionine, which is neutral and non-polar, with valine, which is neutral and non-polar, at codon 2515 of the DMXL2 protein (p.Met2515Val). This variant is present in population databases (rs72729259, gnomAD 0.09%). This variant has not been reported in the literature in individuals affected with DMXL2-related conditions. ClinVar contains an entry for this variant (Variation ID: 1471673). Algorithms developed to predict the effect of missense changes on protein structure and function output the following: SIFT: "Tolerated"; PolyPhen-2: "Benign"; Align-GVGD: "Class C0". The valine amino acid residue is found in multiple mammalian species, which suggests that this missense change does not adversely affect protein function. In summary, the available evidence is currently insufficient to determine the role of this variant in disease. Therefore, it has been classified as a Variant of Uncertain Significance.

Ambry Genetics
Classification: Uncertain significance for Inborn genetic diseases. Last evaluated: 2022-06-30. Review status: criteria provided, single submitter. Criteria: Ambry Variant Classification Scheme 2023. Collection method: clinical testing. Allele origin: germline.

Fulgent Genetics
Classification: Uncertain significance for Polyendocrine-polyneuropathy syndrome; Hearing loss, autosomal dominant 71; Developmental and epileptic encephalopathy, 81. Last evaluated: 2022-04-06. Review status: criteria provided, single submitter. Criteria: ACMG Guidelines, 2015. Collection method: clinical testing. Allele origin: unknown.

Breakthrough Genomics
Classification: Uncertain significance. Review status: criteria provided, single submitter. Criteria: ACMG Guidelines, 2015. Collection method: not provided. Allele origin: germline. Inheritance: Autosomal recessive inheritance. Affected: yes.